The following is an entry in ClinVar:

NM_014991.6(WDFY3):c.247C>A (p.Gln83Lys)

Gene: WDFY3 (WD repeat and FYVE domain containing 3; minus strand). Cytogenetic location: 4q21.23.
Variant type: single nucleotide variant.
Coding change: c.247C>A on transcript NM_014991.6 (MANE Select); coding-DNA position 247, C replaced by A.
Protein change: p.Gln83Lys; replaces glutamine 83 with lysine.
Molecular consequence: missense variant.
Genome position (GRCh38, 1-based): chr4:84,849,959, G>T on the plus strand (C>A on the coding strand, the complement: WDFY3 is on the minus strand). VCF-style: chr4-84849959-G-T. GRCh37 (hg19) VCF-style: chr4-85771112-G-T.
Other names: short protein forms Q83K.
Identifiers: ClinVar variation 1711959 (VCV001711959.2), dbSNP rs2535535989, ClinGen allele CA357550803.
Genomic context (GRCh38, chr4:84,849,959, plus strand): 5'-TACCTGTGGATTTGTTTGATGCTCTCCTTCGAATTTCTGTCACCATTAGTCGTGAGACTT[G>T]TGTTGTGAACTGCAGAAGATCAGAAAATTTTTCTGTCATTGTATTCGGCGGAGCATTTCC-3'
Protein context (NP_055806.2, residues 73-93): KFSDLLQFTT[Gln83Lys]VSRLMVTEIR

ClinVar aggregate classification (germline): Uncertain significance (1 of 4 stars; one submission).

Allele frequency attached by ClinVar (database versions not stated): gnomAD exomes below 0.00001.
gnomAD v4.1: 1 of 1,611,358 alleles (0.000062%); highest among the groups gnomAD compares: Non-Finnish European, 0.000085%; no homozygotes.

Submission:

GeneDx
Classification: Uncertain significance. Last evaluated: 2022-04-18. Review status: criteria provided, single submitter. Criteria: GeneDx Variant Classification Process June 2021. Collection method: clinical testing. Allele origin: germline. Affected: yes.
Comment: Not observed at significant frequency in large population cohorts (gnomAD); In silico analysis supports that this missense variant does not alter protein structure/function; Has not been previously published as pathogenic or benign to our knowledge